The following is an entry in ClinVar:

ClinVar aggregate classification (germline): Uncertain significance (1 of 4 stars; one submission).

Conditions:
Hereditary cancer-predisposing syndrome. Also called: Neoplastic Syndromes, Hereditary; Tumor predisposition; Hereditary neoplastic syndrome; Hereditary Cancer Syndrome. Identifiers: Orphanet 140162, MedGen C0027672, MeSH D009386, MONDO:0015356.

Submission:

Ambry Genetics
Classification: Uncertain significance for Hereditary cancer-predisposing syndrome. Last evaluated: 2024-03-18. Review status: criteria provided, single submitter. Criteria: Ambry Variant Classification Scheme 2023. Collection method: clinical testing. Allele origin: germline.
Comment: The p.S1129Y variant (also known as c.3386C>A), located in coding exon 19 of the BRIP1 gene, results from a C to A substitution at nucleotide position 3386. The serine at codon 1129 is replaced by tyrosine, an amino acid with dissimilar properties. This amino acid position is highly conserved in available vertebrate species. In addition, the in silico prediction for this alteration is inconclusive. Since supporting evidence is limited at this time, the clinical significance of this alteration remains unclear.

NM_032043.3(BRIP1):c.3386C>A (p.Ser1129Tyr)

Gene: BRIP1 (BRCA1 interacting DNA helicase 1; minus strand). Cytogenetic location: 17q23.2.
Variant type: single nucleotide variant.
Coding change: c.3386C>A on transcript NM_032043.3 (MANE Select); coding-DNA position 3386, C replaced by A.
Protein change: p.Ser1129Tyr; replaces serine 1129 with tyrosine.
Molecular consequence: missense variant.
Genome position (GRCh38, 1-based): chr17:61,683,660, G>T on the plus strand (C>A on the coding strand, the complement: BRIP1 is on the minus strand). VCF-style: chr17-61683660-G-T. GRCh37 (hg19) VCF-style: chr17-59761021-G-T.
Other names: short protein forms S1129Y.
Identifiers: ClinVar variation 823698 (VCV000823698.5), dbSNP rs1603275152, ClinGen allele CA400478841.